The following is an entry in ClinVar:

NM_000487.6(ARSA):c.680C>G (p.Ser227Cys)

Gene: ARSA (arylsulfatase A; minus strand). Cytogenetic location: 22q13.33.
Variant type: single nucleotide variant.
Coding change: c.680C>G on transcript NM_000487.6 (MANE Select); coding-DNA position 680, C replaced by G.
Protein change: p.Ser227Cys; replaces serine 227 with cysteine.
Molecular consequence: missense variant.
Genome position (GRCh38, 1-based): chr22:50,626,838, G>C on the plus strand (C>G on the coding strand, the complement: ARSA is on the minus strand). VCF-style: chr22-50626838-G-C. GRCh37 (hg19) VCF-style: chr22-51065266-G-C.
Other names: c.680C>G, p.Ser227Cys (NM_001085425.3, NM_001085426.3, NM_001085427.3); c.422C>G, p.Ser141Cys (NM_001085428.3, NM_001362782.2); c.680C>G (NM_000487.5); short protein forms S227C, S141C.
Identifiers: ClinVar variation 1436820 (VCV001436820.8), dbSNP rs138468395, ClinGen allele CA10324949.
Genomic context (GRCh38, chr22:50,626,838, plus strand): 5'-AGTTAGCACTGGGTAGGGGTCACGGGCAGCCAGGGGGTTGGGCCAAGATCACTTACGTGA[G>C]AGGCATAGTACAGGAAGAAGGGGCGATCCTGGCGCTGGGCGTCGGCCATGAGGTCATGGG-3'
Protein context (NP_000478.3, residues 217-237): QDRPFFLYYA[Ser227Cys]HHTHYPQFSG

ClinVar aggregate classification (germline): Uncertain significance. Review status: criteria provided, multiple submitters, no conflicts (2 of 4 stars). 2 submissions from 2 submitters: Uncertain significance (2). Last evaluated 2025-10-17.

Conditions:
Inborn genetic diseases. Identifiers: MedGen C0950123, MeSH D030342.
Metachromatic leukodystrophy (MLD). Also called: ARSA DEFICIENCY; CEREBROSIDE SULFATASE DEFICIENCY; METACHROMATIC LEUKOENCEPHALOPATHY; SULFATIDE LIPIDOSIS; Cerebral sclerosis diffuse metachromatic form; Arylsulfatase A Deficiency. Identifiers: Orphanet 512, MedGen C0023522, MONDO:0018868, OMIM 250100.

Allele frequency attached by ClinVar (database versions not stated): 1000 Genomes Project 30x 0.00016; gnomAD exomes 0.00001 and 0.00005; gnomAD 0.00018 and 0.00019; 1000 Genomes Project 0.00020; TOPMed 0.00023; ESP Exome Variant Server 0.00046; ExAC 0.00007.
gnomAD v4.1: 42 of 1,612,718 alleles (0.0026%); highest among the groups gnomAD compares: African/African-American, 0.056%; no homozygotes.

Submissions (3):

Labcorp Genetics (formerly Invitae), Labcorp
Classification: Uncertain significance for Metachromatic leukodystrophy. Last evaluated: 2025-10-17. Review status: criteria provided, single submitter. Criteria: Invitae Variant Classification Sherloc (09022015). Collection method: clinical testing. Allele origin: germline.
Comment: This sequence change replaces serine, which is neutral and polar, with cysteine, which is neutral and slightly polar, at codon 227 of the ARSA protein (p.Ser227Cys). This variant is present in population databases (rs138468395, gnomAD 0.1%). This variant has not been reported in the literature in individuals affected with ARSA-related conditions. ClinVar contains an entry for this variant (Variation ID: 1436820). Invitae Evidence Modeling of protein sequence and biophysical properties (such as structural, functional, and spatial information, amino acid conservation, physicochemical variation, residue mobility, and thermodynamic stability) indicates that this missense variant is expected to disrupt ARSA protein function with a positive predictive value of 95%. In summary, the available evidence is currently insufficient to determine the role of this variant in disease. Therefore, it has been classified as a Variant of Uncertain Significance.

Ambry Genetics
Classification: Uncertain significance for Inborn genetic diseases. Last evaluated: 2022-06-24. Review status: criteria provided, single submitter. Criteria: Ambry Variant Classification Scheme 2023. Collection method: clinical testing. Allele origin: germline.

Gelb Laboratory, University of Washington
No classification provided (evidence only). Condition: Metachromatic leukodystrophy. Review status: no classification provided. Collection method: in vitro. Allele origin: not applicable. Functional consequence: loss of function. Not counted in ClinVar's aggregate classification.